The following is an entry in ClinVar:

ClinVar aggregate classification (germline): Uncertain significance (1 of 4 stars; one submission).

Allele frequency attached by ClinVar (database versions not stated): gnomAD exomes 0.00001 and 0.00003.
gnomAD v4.1: 48 of 1,611,170 alleles (0.003%); highest among the groups gnomAD compares: Non-Finnish European, 0.0039%; no homozygotes.

Submission:

Labcorp Genetics (formerly Invitae), Labcorp
Classification: Uncertain significance. Last evaluated: 2021-09-24. Review status: criteria provided, single submitter. Criteria: Invitae Variant Classification Sherloc (09022015). Collection method: clinical testing. Allele origin: germline.
Comment: This sequence change replaces valine with alanine at codon 539 of the HELLS protein (p.Val539Ala). The valine residue is moderately conserved and there is a small physicochemical difference between valine and alanine. This variant is not present in population databases (ExAC no frequency). This variant has not been reported in the literature in individuals with HELLS-related conditions. Algorithms developed to predict the effect of missense changes on protein structure and function are either unavailable or do not agree on the potential impact of this missense change (SIFT: "Deleterious"; PolyPhen-2: "Benign"; Align-GVGD: "Class C0"). In summary, the available evidence is currently insufficient to determine the role of this variant in disease. Therefore, it has been classified as a Variant of Uncertain Significance.

NM_018063.5(HELLS):c.1616T>C (p.Val539Ala)

Gene: HELLS (helicase, lymphoid specific; plus strand). Cytogenetic location: 10q23.33.
Variant type: single nucleotide variant.
Coding change: c.1616T>C on transcript NM_018063.5 (MANE Select); coding-DNA position 1616, T replaced by C.
Protein change: p.Val539Ala; replaces valine 539 with alanine.
Molecular consequence: missense variant.
Genome position (GRCh38, 1-based): chr10:94,590,540, T>C. VCF-style: chr10-94590540-T-C. GRCh37 (hg19) VCF-style: chr10-96350297-T-C.
Other names: c.1754T>C, p.Val585Ala (NM_001289067.2); c.1568T>C, p.Val523Ala (NM_001289068.2); c.1520T>C, p.Val507Ala (NM_001289069.2); c.1322T>C, p.Val441Ala (NM_001289070.2); c.1244T>C, p.Val415Ala (NM_001289071.2); c.1226T>C, p.Val409Ala (NM_001289072.2); c.1202T>C, p.Val401Ala (NM_001289073.2); c.533T>C, p.Val178Ala (NM_001289074.2); and 1 more; short protein forms V178A, V401A, V409A, V523A, V415A, V441A, V507A, V133A.
Identifiers: ClinVar variation 1362844 (VCV001362844.5), dbSNP rs903350276, ClinGen allele CA211675000.